The following is an entry in ClinVar:

ClinVar aggregate classification (germline): Pathogenic. Review status: criteria provided, multiple submitters, no conflicts (2 of 4 stars). 6 submissions from 6 submitters: Pathogenic (5). 1 of the submissions does not count toward it. Last evaluated 2025-06-03.

Conditions:
Glycogen storage disease, type IV (GSD4). Also called: AMYLOPECTINOSIS; ANDERSEN DISEASE; BRANCHER DEFICIENCY; CIRRHOSIS, FAMILIAL, WITH DEPOSITION OF ABNORMAL GLYCOGEN; GBE1 DEFICIENCY; GLYCOGEN BRANCHING ENZYME DEFICIENCY. Identifiers: Orphanet 367, MedGen C0017923, MONDO:0009292, OMIM 232500.
Glycogen storage disease IV, classic hepatic. Also called: GSD IV, CLASSIC HEPATIC. Identifiers: MedGen C1856301.
Adult polyglucosan body disease (APBN). Also called: POLYGLUCOSAN BODY DISEASE, ADULT FORM; GBE1-Adult Polyglucosan Body Disease. Identifiers: Orphanet 206583, MedGen C1849722, MONDO:0009897, OMIM 263570.

Submissions (6):

Natera, Inc.
Classification: Pathogenic for Glycogen storage disease type IV. Last evaluated: 2025-06-03. Review status: criteria provided, single submitter. Criteria: Natera Variant Classification Schema (03/2026). Collection method: clinical testing. Allele origin: germline.
Comment: The c.288delA variant in GBE1 is a frameshift variant predicted to shift the reading frame beginning at codon 97 and leads to a stop codon 46 codons downstream. This variant is expected to result in nonsense mediated decay, truncation, or a dysfunctional protein product. This variant is rare in the general population with a frequency below the threshold expected for the associated phenotype(s). This variant has been observed in one or more individuals affected with the associated recessive disease, as either homozygous or compound heterozygous with a second variant (PMID: 21917543, 12913206). Given the available evidence, this variant is classified as Pathogenic.

Fulgent Genetics
Classification: Pathogenic for Glycogen storage disease, type IV; Adult polyglucosan body disease. Last evaluated: 2024-01-27. Review status: criteria provided, single submitter. Criteria: ACMG Guidelines, 2015. Collection method: clinical testing. Allele origin: germline.

Labcorp Genetics (formerly Invitae), Labcorp
Classification: Pathogenic for Glycogen storage disease, type IV; Glycogen storage disease IV, classic hepatic. Last evaluated: 2023-12-01. Review status: criteria provided, single submitter. Criteria: Invitae Variant Classification Sherloc (09022015). Collection method: clinical testing. Allele origin: germline.
Comment: This sequence change creates a premature translational stop signal (p.Gly97Glufs*46) in the GBE1 gene. It is expected to result in an absent or disrupted protein product. Loss-of-function variants in GBE1 are known to be pathogenic (PMID: 15452297, 20058079). This variant is not present in population databases (gnomAD no frequency). This premature translational stop signal has been observed in individuals with glycogen storage disease (PMID: 12913206, 21917543). ClinVar contains an entry for this variant (Variation ID: 371491). For these reasons, this variant has been classified as Pathogenic.

Baylor Genetics
Classification: Pathogenic for Glycogen storage disease, type IV. Last evaluated: 2022-10-06. Review status: criteria provided, single submitter. Criteria: ACMG Guidelines, 2015. Collection method: clinical testing. Allele origin: unknown.

Revvity Omics, Revvity
Classification: Pathogenic. Last evaluated: 2022-09-12. Review status: criteria provided, single submitter. Criteria: ACMG Guidelines, 2015. Collection method: clinical testing. Allele origin: germline.

Counsyl
Classification: Pathogenic for Glycogen storage disease, type IV. Last evaluated: 2016-10-31. Review status: no assertion criteria provided. Collection method: clinical testing. Allele origin: unknown. Not counted in ClinVar's aggregate classification.

Literature cited by the submitters: PubMed 21917543 (cited by 3 submitters); PubMed 12913206 (cited by Natera, Inc. and Labcorp Genetics (formerly Invitae), Labcorp); PubMed 15452297 (cited by Labcorp Genetics (formerly Invitae), Labcorp); PubMed 20058079 (cited by Labcorp Genetics (formerly Invitae), Labcorp).

NM_000158.4(GBE1):c.288del (p.Gly97fs)

Gene: GBE1 (1,4-alpha-glucan branching enzyme 1; minus strand). Cytogenetic location: 3p12.2.
Variant type: Deletion.
Coding change: c.288del on transcript NM_000158.4 (MANE Select); coding-DNA position 288, one base deleted (A; older notation c.288delA).
Protein change: p.Gly97fs; shifts the reading frame from glycine 97.
Molecular consequence: frameshift variant.
Genome position (GRCh38, 1-based): chr3:81,705,469, T deleted on the plus strand (A on the coding strand, the reverse complement: GBE1 is on the minus strand); the first of 2 consecutive T bases (chr3:81,705,469-81,705,470); deleting either gives the same sequence. VCF-style (leftmost placement, unchanged base first): chr3-81705468-CT-C. GRCh37 (hg19) VCF-style: chr3-81754619-CT-C.
Other names: short protein forms G97fs.
Identifiers: ClinVar variation 371491 (VCV000371491.13), dbSNP rs1057517315, ClinGen allele CA16040929.